The following is an entry in ClinVar:

NM_006231.4(POLE):c.3010G>A (p.Gly1004Ser)

Gene: POLE (DNA polymerase epsilon, catalytic subunit; minus strand). Cytogenetic location: 12q24.33.
Variant type: single nucleotide variant.
Coding change: c.3010G>A on transcript NM_006231.4 (MANE Select); coding-DNA position 3010, G replaced by A.
Protein change: p.Gly1004Ser; replaces glycine 1004 with serine.
Molecular consequence: missense variant.
Genome position (GRCh38, 1-based): chr12:132,661,019, C>T on the plus strand (G>A on the coding strand, the complement: POLE is on the minus strand). VCF-style: chr12-132661019-C-T. GRCh37 (hg19) VCF-style: chr12-133237605-C-T.
Other names: short protein forms G1004S.
Identifiers: ClinVar variation 3422166 (VCV003422166.2).
Genomic context (GRCh38, chr12:132,661,019, plus strand): 5'-AGGCCTTTACCTTGCTGTACAGCACGTCCAGCCAGTAGTCAGCCACCTTGGCTACAGAGC[C>T]ATACACCTCTTCCAGCGTGCTGCCCTTGAGGAAGGCCTCAAACACCGAGGATTGGAAGAT-3'
Protein context (NP_006222.2, residues 994-1014): LKGSTLEEVY[Gly1004Ser]SVAKVADYWL

ClinVar aggregate classification (germline): Uncertain significance. Review status: criteria provided, multiple submitters, no conflicts (2 of 4 stars). 2 submissions from 2 submitters: Uncertain significance (2). Last evaluated 2025-07-29.

Conditions:
Hereditary cancer-predisposing syndrome. Also called: Neoplastic Syndromes, Hereditary; Tumor predisposition; Hereditary Cancer Syndrome; Hereditary neoplastic syndrome. Identifiers: Orphanet 140162, MedGen C0027672, MeSH D009386, MONDO:0015356.

Submissions (2):

Labcorp Genetics (formerly Invitae), Labcorp
Classification: Uncertain significance. Last evaluated: 2025-07-29. Review status: criteria provided, single submitter. Criteria: Invitae Variant Classification Sherloc (09022015). Collection method: clinical testing. Allele origin: germline.
Comment: This sequence change replaces glycine, which is neutral and non-polar, with serine, which is neutral and polar, at codon 1004 of the POLE protein (p.Gly1004Ser). This variant is not present in population databases (gnomAD no frequency). This variant has not been reported in the literature in individuals affected with POLE-related conditions. ClinVar contains an entry for this variant (Variation ID: 3422166). Invitae Evidence Modeling of protein sequence and biophysical properties (such as structural, functional, and spatial information, amino acid conservation, physicochemical variation, residue mobility, and thermodynamic stability) indicates that this missense variant is not expected to disrupt POLE protein function with a negative predictive value of 80%. In summary, the available evidence is currently insufficient to determine the role of this variant in disease. Therefore, it has been classified as a Variant of Uncertain Significance.

Ambry Genetics
Classification: Uncertain significance for Hereditary cancer-predisposing syndrome. Last evaluated: 2024-09-16. Review status: criteria provided, single submitter. Criteria: Ambry Variant Classification Scheme 2023. Collection method: clinical testing. Allele origin: germline.
Comment: The p.G1004S variant (also known as c.3010G>A), located in coding exon 25 of the POLE gene, results from a G to A substitution at nucleotide position 3010. The glycine at codon 1004 is replaced by serine, an amino acid with similar properties. This amino acid position is conserved. In addition, this alteration is predicted to be tolerated by in silico analysis. Based on the available evidence, the clinical significance of this variant remains unclear.